The following is an entry in ClinVar:

NM_004963.4(GUCY2C):c.1870A>G (p.Ser624Gly)

Gene: GUCY2C (guanylate cyclase 2C; minus strand). Cytogenetic location: 12p12.3.
Variant type: single nucleotide variant.
Coding change: c.1870A>G on transcript NM_004963.4 (MANE Select); coding-DNA position 1870, A replaced by G.
Protein change: p.Ser624Gly; replaces serine 624 with glycine.
Molecular consequence: missense variant.
Genome position (GRCh38, 1-based): chr12:14,643,634, T>C on the plus strand (A>G on the coding strand, the complement: GUCY2C is on the minus strand). VCF-style: chr12-14643634-T-C. GRCh37 (hg19) VCF-style: chr12-14796568-T-C.
Other names: short protein forms S624G.
Identifiers: ClinVar variation 4749804 (VCV004749804.1).

ClinVar aggregate classification (germline): Uncertain significance (1 of 4 stars; one submission).

gnomAD v4.1: 1 of 1,613,338 alleles (0.000062%); highest among the groups gnomAD compares: Admixed American, 0.0017%; no homozygotes.

Submission:

Labcorp Genetics (formerly Invitae), Labcorp
Classification: Uncertain significance. Last evaluated: 2025-08-24. Review status: criteria provided, single submitter. Criteria: Invitae Variant Classification Sherloc (09022015). Collection method: clinical testing. Allele origin: germline.
Comment: This sequence change replaces serine, which is neutral and polar, with glycine, which is neutral and non-polar, at codon 624 of the GUCY2C protein (p.Ser624Gly). This variant is not present in population databases (gnomAD no frequency). This variant has not been reported in the literature in individuals affected with GUCY2C-related conditions. Invitae Evidence Modeling of protein sequence and biophysical properties (such as structural, functional, and spatial information, amino acid conservation, physicochemical variation, residue mobility, and thermodynamic stability) indicates that this missense variant is not expected to disrupt GUCY2C protein function with a negative predictive value of 80%. In summary, the available evidence is currently insufficient to determine the role of this variant in disease. Therefore, it has been classified as a Variant of Uncertain Significance.